The following is an entry in ClinVar:

NM_021629.4(GNB4):c.497+1G>C

Gene: GNB4 (G protein subunit beta 4; minus strand). Cytogenetic location: 3q26.33.
Variant type: single nucleotide variant.
Coding change: c.497+1G>C on transcript NM_021629.4 (MANE Select); the canonical splice donor site of the intron after coding-DNA position 497, G replaced by C.
Molecular consequence: splice donor variant.
Genome position (GRCh38, 1-based): chr3:179,413,714, C>G on the plus strand (G>C on the coding strand, the complement: GNB4 is on the minus strand). VCF-style: chr3-179413714-C-G. GRCh37 (hg19) VCF-style: chr3-179131502-C-G.
Identifiers: ClinVar variation 3705726 (VCV003705726.3).

ClinVar aggregate classification (germline): Uncertain significance. Review status: criteria provided, multiple submitters, no conflicts (2 of 4 stars). 2 submissions from 2 submitters: Uncertain significance (2). Last evaluated 2025-04-23.

Conditions:
Charcot-Marie-Tooth disease dominant intermediate F. Identifiers: Orphanet 352670, MedGen C4749463, MONDO:0014074, OMIM 615185.

gnomAD v4.1: 1 of 1,613,994 alleles (0.000062%); highest among the groups gnomAD compares: Non-Finnish European, 0.000085%; no homozygotes.

Submissions (2):

GeneDx
Classification: Uncertain significance. Last evaluated: 2025-04-23. Review status: criteria provided, single submitter. Criteria: GeneDx Variant Classification Process June 2021. Collection method: clinical testing. Allele origin: germline. Affected: yes.
Comment: Not observed at significant frequency in large population cohorts (gnomAD); Has not been previously published as pathogenic or benign to our knowledge; Canonical splice site variant in a gene for which loss-of-function is not an established mechanism of disease

Labcorp Genetics (formerly Invitae), Labcorp
Classification: Uncertain significance for Charcot-Marie-Tooth disease dominant intermediate F. Last evaluated: 2024-08-13. Review status: criteria provided, single submitter. Criteria: Invitae Variant Classification Sherloc (09022015). Collection method: clinical testing. Allele origin: germline.
Comment: This sequence change affects a donor splice site in intron 7 of the GNB4 gene. It is expected to disrupt RNA splicing. Variants that disrupt the donor or acceptor splice site typically lead to a loss of protein function (PMID: 16199547), however the current clinical and genetic evidence is not sufficient to establish whether loss-of-function variants in GNB4 cause disease. This variant is not present in population databases (gnomAD no frequency). This variant has not been reported in the literature in individuals affected with GNB4-related conditions. Algorithms developed to predict the effect of sequence changes on RNA splicing suggest that this variant may disrupt the consensus splice site. In summary, the available evidence is currently insufficient to determine the role of this variant in disease. Therefore, it has been classified as a Variant of Uncertain Significance.

Literature cited by the submitters: PubMed 16199547 (cited by Labcorp Genetics (formerly Invitae), Labcorp).